The following is an entry in ClinVar:

NM_001244008.2(KIF1A):c.4111G>T (p.Ala1371Ser)

Gene: KIF1A (kinesin family member 1A; minus strand). Cytogenetic location: 2q37.3.
Variant type: single nucleotide variant.
Coding change: c.4111G>T on transcript NM_001244008.2 (MANE Select); coding-DNA position 4111, G replaced by T.
Protein change: p.Ala1371Ser; replaces alanine 1371 with serine.
Molecular consequence: missense variant.
Genome position (GRCh38, 1-based): chr2:240,726,837, C>A on the plus strand (G>T on the coding strand, the complement: KIF1A is on the minus strand). VCF-style: chr2-240726837-C-A. GRCh37 (hg19) VCF-style: chr2-241666254-C-A.
Other names: c.3835G>T, p.Ala1279Ser (NM_001320705.2, NM_001379649.1); c.3862G>T, p.Ala1288Ser (NM_001330289.2); c.3910G>T, p.Ala1304Ser (NM_001330290.2, NM_001379648.1); c.4186G>T, p.Ala1396Ser (NM_001379631.1); c.4087G>T, p.Ala1363Ser (NM_001379632.1); c.4084G>T, p.Ala1362Ser (NM_001379633.1, NM_001379645.1); c.3937G>T, p.Ala1313Ser (NM_001379634.1); c.3934G>T, p.Ala1312Ser (NM_001379635.1, NM_001379646.1); and 7 more; short protein forms A1279S, A1288S, A1304S, A1308S, A1363S, A1396S, A1269S, A1270S.
Identifiers: ClinVar variation 1401370 (VCV001401370.6), dbSNP rs751798253, ClinGen allele CA2207499.

ClinVar aggregate classification (germline): Uncertain significance (1 of 4 stars; one submission).

Conditions:
Hereditary spastic paraplegia 30. Identifiers: Orphanet 101010, MedGen C5235139, MONDO:0012476.
Neuropathy, hereditary sensory, type 2C. Also called: Hereditary sensory and autonomic neuropathy type IIC; KIF1A-Related HSAN2 (HSAN2C). Identifiers: Orphanet 970, MedGen C3280168, MONDO:0013634, OMIM 614213.
Intellectual disability, autosomal dominant 9 (NESCAVS). Also called: NESCAV SYNDROME; KIF1A-Related Neurodevelopmental Disorder. Identifiers: Orphanet 662367, MedGen C5393830, MONDO:0013656, OMIM 614255.

gnomAD v4.1: 5 of 1,606,544 alleles (0.00031%); highest among the groups gnomAD compares: East Asian, 0.0022%; no homozygotes.

Submission:

Labcorp Genetics (formerly Invitae), Labcorp
Classification: Uncertain significance for Hereditary spastic paraplegia 30; Neuropathy, hereditary sensory, type 2C; Intellectual disability, autosomal dominant 9. Last evaluated: 2021-10-20. Review status: criteria provided, single submitter. Criteria: Invitae Variant Classification Sherloc (09022015). Collection method: clinical testing. Allele origin: germline.
Comment: In summary, the available evidence is currently insufficient to determine the role of this variant in disease. Therefore, it has been classified as a Variant of Uncertain Significance. Advanced modeling of protein sequence and biophysical properties (such as structural, functional, and spatial information, amino acid conservation, physicochemical variation, residue mobility, and thermodynamic stability) performed at Invitae indicates that this missense variant is not expected to disrupt KIF1A protein function. This variant has not been reported in the literature in individuals affected with KIF1A-related conditions. The frequency data for this variant in the population databases is considered unreliable, as metrics indicate poor data quality at this position in the gnomAD database. This sequence change replaces alanine, which is neutral and non-polar, with serine, which is neutral and polar, at codon 1270 of the KIF1A protein (p.Ala1270Ser).